The following is an entry in ClinVar:

ClinVar aggregate classification (germline): Uncertain significance. Review status: criteria provided, multiple submitters, no conflicts (2 of 4 stars). 2 submissions from 2 submitters: Uncertain significance (2). Last evaluated 2024-03-06.

Conditions:
Familial thoracic aortic aneurysm and aortic dissection (TAAD). Also called: Thoracic aortic aneurysms and dissections. Identifiers: Orphanet 91387, MedGen C4707243, MONDO:0019625.
Marfan syndrome (MFS). Also called: Marfan syndrome, classic; Marfan syndrome type 1; Marfan's syndrome; FBN1-Related Marfan Syndrome; MARFAN SYNDROME, TYPE I. Identifiers: Orphanet 284963, Orphanet 558, MedGen C0024796, MONDO:0007947, OMIM 154700.

Submissions (2):

Color Diagnostics, LLC DBA Color Health
Classification: Uncertain significance for Familial thoracic aortic aneurysm and aortic dissection. Last evaluated: 2024-03-06. Review status: criteria provided, single submitter. Criteria: ACMG Guidelines, 2015. Collection method: clinical testing. Allele origin: germline.
Comment: This missense variant replaces isoleucine with methionine at codon 2458 of the FBN1 protein. Computational prediction is inconclusive regarding the impact of this variant on protein structure and function (internally defined REVEL score threshold 0.5 < inconclusive < 0.7, PMID: 27666373). To our knowledge, functional studies have not been reported for this variant. This variant has not been reported in individuals affected with FBN1-related disorders in the literature. This variant has not been identified in the general population by the Genome Aggregation Database (gnomAD). The available evidence is insufficient to determine the role of this variant in disease conclusively. Therefore, this variant is classified as a Variant of Uncertain Significance.

All of Us Research Program, National Institutes of Health
Classification: Uncertain significance for Marfan syndrome. Last evaluated: 2023-10-02. Review status: criteria provided, single submitter. Criteria: ACMG Guidelines, 2015. Collection method: clinical testing. Allele origin: germline. Inheritance: Autosomal dominant inheritance. Observed: 2 variant alleles, 2 heterozygotes.
Comment: Variant of Uncertain Significance due to insufficient evidence: This missense variant replaces isoleucine with methionine at codon 2458 of the FBN1 protein. Computational prediction tools and conservation analyses are inconclusive regarding the impact of this variant on the protein function. Computational splicing tools suggest that this variant may not impact RNA splicing. To our knowledge, functional assays have not been performed for this variant nor has this variant been reported in individuals affected with cardiovascular disorders in the literature. This variant is rare in the general population and has been identified in 0/277264 chromosomes by the Genome Aggregation Database (gnomAD). Available evidence is insufficient to determine the role of this variant in disease conclusively.

This study involves interpretation of variants in research participants for the purpose of population health screening. Participant phenotype was not available at the time of variant classification. Additional details can be found in publication PMID: 35346344, PMCID: PMC8962531

NM_000138.5(FBN1):c.7374C>G (p.Ile2458Met)

Gene: FBN1 (fibrillin 1; minus strand). Cytogenetic location: 15q21.1.
Variant type: single nucleotide variant.
Coding change: c.7374C>G on transcript NM_000138.5 (MANE Select); coding-DNA position 7374, C replaced by G.
Protein change: p.Ile2458Met; replaces isoleucine 2458 with methionine.
Molecular consequence: missense variant.
Genome position (GRCh38, 1-based): chr15:48,425,448, G>C on the plus strand (C>G on the coding strand, the complement: FBN1 is on the minus strand). VCF-style: chr15-48425448-G-C. GRCh37 (hg19) VCF-style: chr15-48717645-G-C.
Other names: short protein forms I2458M.
Identifiers: ClinVar variation 926584 (VCV000926584.6), dbSNP rs2042971724, ClinGen allele CA392327904.
Genomic context (GRCh38, chr15:48,425,448, plus strand): 5'-CTCTTGCAGAATGTAGCCTTTCGGGCATGAACACTGGTAACTCCCTTCTGTGTTTTTGCA[G>C]ATAAAATTGCAGGGTTTGGGAGCCTGGTTGCACTCGTTCAGATCTATGATCAAAGAAATA-3'
Protein context (NP_000129.3, residues 2448-2468): CNQAPKPCNF[Ile2458Met]CKNTEGSYQC